The following is an entry in ClinVar:

NM_133433.4(NIPBL):c.4643+1G>A

Gene: NIPBL (NIPBL cohesin loading factor; plus strand). Cytogenetic location: 5p13.2.
Variant type: single nucleotide variant.
Coding change: c.4643+1G>A on transcript NM_133433.4 (MANE Select); the canonical splice donor site of the intron after coding-DNA position 4643, G replaced by A.
Molecular consequence: splice donor variant.
Genome position (GRCh38, 1-based): chr5:37,014,766, G>A. VCF-style: chr5-37014766-G-A. GRCh37 (hg19) VCF-style: chr5-37014868-G-A.
Other names: c.4643+1G>A (NM_015384.5).
Identifiers: ClinVar variation 1074354 (VCV001074354.9), dbSNP rs587783954, ClinGen allele CA359481187.

ClinVar aggregate classification (germline): Pathogenic (1 of 4 stars; one submission).

Conditions:
Cornelia de Lange syndrome 1 (CDLS1). Also called: TYPUS DEGENERATIVUS AMSTELODAMENSIS; Brachmann de Lange syndrome; NIPBL-Related Cornelia de Lange Syndrome. Identifiers: Orphanet 199, MedGen C4551851, MONDO:0007387, OMIM 122470.

Submission:

Labcorp Genetics (formerly Invitae), Labcorp
Classification: Pathogenic for Cornelia de Lange syndrome 1. Last evaluated: 2020-02-27. Review status: criteria provided, single submitter. Criteria: Invitae Variant Classification Sherloc (09022015). Collection method: clinical testing. Allele origin: germline.
Comment: Disruption of this splice site has been observed in individual(s) with clinical features of Cornelia de Lange syndrome (PMID: 24218399). In at least one individual the variant was observed to be de novo. This sequence change affects a donor splice site in intron 22 of the NIPBL gene. It is expected to disrupt RNA splicing and likely results in an absent or disrupted protein product. This variant is not present in population databases (ExAC no frequency). Algorithms developed to predict the effect of sequence changes on RNA splicing suggest that this variant may disrupt the consensus splice site, but this prediction has not been confirmed by published transcriptional studies. Donor and acceptor splice site variants typically lead to a loss of protein function (PMID: 16199547), and loss-of-function variants in NIPBL are known to be pathogenic (PMID: 15318302, 19763162, 23505322, 29995837). For these reasons, this variant has been classified as Pathogenic.

Literature cited by the submitters: PubMed 24218399; PubMed 16199547; PubMed 15318302; PubMed 19763162; PubMed 23505322; PubMed 29995837.